The following is an entry in ClinVar:

NM_016824.5(ADD3):c.1401+4T>C

Gene: ADD3 (adducin 3; plus strand). Cytogenetic location: 10q25.2.
Variant type: single nucleotide variant.
Coding change: c.1401+4T>C on transcript NM_016824.5 (MANE Select); 4 bases into the intron after coding-DNA position 1401, T replaced by C.
Molecular consequence: intron variant.
Genome position (GRCh38, 1-based): chr10:110,124,278, T>C. VCF-style: chr10-110124278-T-C. GRCh37 (hg19) VCF-style: chr10-111884036-T-C.
Other names: c.1401+4T>C (NM_001320591.2, NM_001320592.2, NM_019903.5 and 2 more transcripts); c.1167+4T>C (NM_001320594.2).
Identifiers: ClinVar variation 4754545 (VCV004754545.1).

ClinVar aggregate classification (germline): Uncertain significance (1 of 4 stars; one submission).

gnomAD v4.1: 3 of 1,612,914 alleles (0.00019%); highest among the groups gnomAD compares: South Asian, 0.0033%; no homozygotes.

Submission:

Labcorp Genetics (formerly Invitae), Labcorp
Classification: Uncertain significance. Last evaluated: 2025-12-18. Review status: criteria provided, single submitter. Criteria: Invitae Variant Classification Sherloc (09022015). Collection method: clinical testing. Allele origin: germline.
Comment: This sequence change falls in intron 10 of the ADD3 gene. It does not directly change the encoded amino acid sequence of the ADD3 protein. It affects a nucleotide within the consensus splice site. This variant is not present in population databases (gnomAD no frequency). This variant has not been reported in the literature in individuals affected with ADD3-related conditions. Variants that disrupt the consensus splice site are a relatively common cause of aberrant splicing (PMID: 17576681, 9536098). Algorithms developed to predict the effect of sequence changes on RNA splicing suggest that this variant is not likely to affect RNA splicing. In summary, the available evidence is currently insufficient to determine the role of this variant in disease. Therefore, it has been classified as a Variant of Uncertain Significance.

Literature cited by the submitters: PubMed 17576681; PubMed 9536098.